The following is an entry in ClinVar:

NM_019892.6(INPP5E):c.586G>T (p.Ala196Ser)

Gene: INPP5E (inositol polyphosphate-5-phosphatase E; minus strand). Cytogenetic location: 9q34.3.
Variant type: single nucleotide variant.
Coding change: c.586G>T on transcript NM_019892.6 (MANE Select); coding-DNA position 586, G replaced by T.
Protein change: p.Ala196Ser; replaces alanine 196 with serine.
Molecular consequence: missense variant.
Genome position (GRCh38, 1-based): chr9:136,438,834, C>A on the plus strand (G>T on the coding strand, the complement: INPP5E is on the minus strand). VCF-style: chr9-136438834-C-A. GRCh37 (hg19) VCF-style: chr9-139333286-C-A.
Other names: c.586G>T (NM_019892.4, NM_019892.5); c.586G>T, p.Ala196Ser (NM_001318502.2); short protein forms A196S.
Identifiers: ClinVar variation 1040443 (VCV001040443.14), dbSNP rs376043087, ClinGen allele CA5337129.
Genomic context (GRCh38, chr9:136,438,834, plus strand): 5'-GATCCGAGTCGACCTTGTTTGCTGTCCTCAGGGAGTCGGAGGCGATGTCCAGGCTCAGGG[C>A]AGGCGGTGGGCGCGGGGGCAGCAGGCTGGGCAGCCTGGGCGAGCTCCCCGCCACGGCGGC-3'
Protein context (NP_063945.2, residues 186-206): PSLLPPRPPP[Ala196Ser]LSLDIASDSL

ClinVar aggregate classification (germline): Uncertain significance. Review status: criteria provided, multiple submitters, no conflicts (2 of 4 stars). 5 submissions from 5 submitters: Uncertain significance (4). 1 of the submissions does not count toward it. Last evaluated 2025-01-18.

Conditions:
INPP5E-related disorder. Also called: INPP5E-related condition.
MORM syndrome (MORMS). Identifiers: Orphanet 75858, MedGen C1857802, MONDO:0012423, OMIM 610156.
Joubert syndrome 1 (JBTS1). Also called: CEREBELLOPARENCHYMAL DISORDER IV; Cerebellooculorenal syndrome 1. Identifiers: MedGen C4551568, MONDO:0008944, OMIM 213300.
Joubert syndrome. Also called: Familial aplasia of the vermis; JOUBERT-BOLTSHAUSER SYNDROME. Identifiers: Orphanet 475, MedGen C5979921, MONDO:0018772.
Inborn genetic diseases. Identifiers: MedGen C0950123, MeSH D030342.

Allele frequency attached by ClinVar (database versions not stated): ExAC 0.00002; gnomAD exomes 0.00002; ESP Exome Variant Server 0.00008; gnomAD 0.00009 and 0.00011; TOPMed 0.00009.
gnomAD v4.1: 28 of 1,610,108 alleles (0.0017%); highest among the groups gnomAD compares: African/African-American, 0.033%; no homozygotes.

Submissions (5):

Ambry Genetics
Classification: Uncertain significance for Inborn genetic diseases. Last evaluated: 2025-01-18. Review status: criteria provided, single submitter. Criteria: Ambry Variant Classification Scheme 2023. Collection method: clinical testing. Allele origin: germline.

Fulgent Genetics
Classification: Uncertain significance for Joubert syndrome 1; MORM syndrome. Last evaluated: 2023-12-26. Review status: criteria provided, single submitter. Criteria: ACMG Guidelines, 2015. Collection method: clinical testing. Allele origin: germline.

Labcorp Genetics (formerly Invitae), Labcorp
Classification: Uncertain significance for Joubert syndrome. Last evaluated: 2022-08-23. Review status: criteria provided, single submitter. Criteria: Invitae Variant Classification Sherloc (09022015). Collection method: clinical testing. Allele origin: germline.
Comment: This sequence change replaces alanine, which is neutral and non-polar, with serine, which is neutral and polar, at codon 196 of the INPP5E protein (p.Ala196Ser). The frequency data for this variant in the population databases is considered unreliable, as metrics indicate poor data quality at this position in the gnomAD database. This variant has not been reported in the literature in individuals affected with INPP5E-related conditions. ClinVar contains an entry for this variant (Variation ID: 1040443). Advanced modeling of protein sequence and biophysical properties (such as structural, functional, and spatial information, amino acid conservation, physicochemical variation, residue mobility, and thermodynamic stability) performed at Invitae indicates that this missense variant is not expected to disrupt INPP5E protein function. In summary, the available evidence is currently insufficient to determine the role of this variant in disease. Therefore, it has been classified as a Variant of Uncertain Significance.

Blueprint Genetics
Classification: Uncertain significance. Last evaluated: 2020-11-25. Review status: criteria provided, single submitter. Criteria: ACMG Guidelines, 2015. Collection method: clinical testing. Allele origin: germline.

PreventionGenetics, part of Exact Sciences
Classification: Uncertain significance for INPP5E-related condition. Last evaluated: 2024-05-07. Review status: no assertion criteria provided. Collection method: clinical testing. Allele origin: germline. Not counted in ClinVar's aggregate classification.
Comment: The INPP5E c.586G>T variant is predicted to result in the amino acid substitution p.Ala196Ser. To our knowledge, this variant has not been reported in the literature. This variant is reported in 0.039% of alleles in individuals of African descent in gnomAD. At this time, the clinical significance of this variant is uncertain due to the absence of conclusive functional and genetic evidence.